The following is an entry in ClinVar:

NM_198525.3(KIF7):c.1220C>A (p.Ala407Asp)

Gene: KIF7 (kinesin family member 7; minus strand). Cytogenetic location: 15q26.1.
Variant type: single nucleotide variant.
Coding change: c.1220C>A on transcript NM_198525.3 (MANE Select); coding-DNA position 1220, C replaced by A.
Protein change: p.Ala407Asp; replaces alanine 407 with aspartic acid.
Molecular consequence: missense variant.
Genome position (GRCh38, 1-based): chr15:89,648,478, G>T on the plus strand (C>A on the coding strand, the complement: KIF7 is on the minus strand). VCF-style: chr15-89648478-G-T. GRCh37 (hg19) VCF-style: chr15-90191709-G-T.
Other names: short protein forms A407D.
Identifiers: ClinVar variation 129404 (VCV000129404.25), dbSNP rs587780375, ClinGen allele CA020189.
Genomic context (GRCh38, chr15:89,648,478, plus strand): 5'-TGCAGCTCGCGCAAGAGGCTGTAGGCGGCGTCGGTGCAGGCCCGGTAGCGCGCGCACTCG[G>T]CGCCCAGGCGCATGGCGGCCGCCGCGGAGGCGGTGGCTGGGCCTGGGGCGCGCCGGCCGC-3'
Protein context (NP_940927.2, residues 397-417): ASAAAAMRLG[Ala407Asp]ECARYRACTD

ClinVar aggregate classification (germline): Conflicting classifications of pathogenicity. Review status: criteria provided, conflicting classifications (1 of 4 stars). 6 submissions from 6 submitters: Uncertain significance (2); Likely benign (4). Last evaluated 2026-02-01.

Conditions:
Inborn genetic diseases. Identifiers: MedGen C0950123, MeSH D030342.
Acrocallosal syndrome (ACLS). Also called: HALLUX DUPLICATION, POSTAXIAL POLYDACTYLY, AND ABSENCE OF CORPUS CALLOSUM; Schinzel syndrome 1; Absence of corpus callosum with unusual facial appearance, mental deficiency, duplication of the halluces and polydactyly. Identifiers: Orphanet 36, MedGen C0796147, MONDO:0008708, OMIM 200990.

Allele frequency attached by ClinVar (database versions not stated): TOPMed 0.00269; gnomAD 0.00286; 1000 Genomes Project 30x 0.00359.
gnomAD v4.1: 595 of 1,044,806 alleles (0.057%); highest among the groups gnomAD compares: African/African-American, 0.95%; 3 homozygotes.

Submissions (6):

Labcorp Genetics (formerly Invitae), Labcorp
Classification: Likely benign for Acrocallosal syndrome. Last evaluated: 2026-02-01. Review status: criteria provided, single submitter. Criteria: Invitae Variant Classification Sherloc (09022015). Collection method: clinical testing. Allele origin: germline.

Ambry Genetics
Classification: Likely benign for Inborn genetic diseases. Last evaluated: 2021-07-13. Review status: criteria provided, single submitter. Criteria: Ambry Variant Classification Scheme 2023. Collection method: clinical testing. Allele origin: germline.

GeneDx
Classification: Likely benign. Last evaluated: 2021-06-23. Review status: criteria provided, single submitter. Criteria: GeneDx Variant Classification Process June 2021. Collection method: clinical testing. Allele origin: germline. Affected: yes.
Comment: In silico analysis supports that this missense variant does not alter protein structure/function; This variant is associated with the following publications: (PMID: 29915382)

Women's Health and Genetics/Laboratory Corporation of America, LabCorp
Classification: Likely benign. Last evaluated: 2020-05-08. Review status: criteria provided, single submitter. Criteria: LabCorp Variant Classification Summary - May 2015. Collection method: clinical testing. Allele origin: germline.
Comment: Variant summary: KIF7 c.1220C>A (p.Ala407Asp) results in a non-conservative amino acid change in the encoded protein sequence. Three of five in-silico tools predict a benign effect of the variant on protein function. The variant allele was found at a frequency of 0.0027 in 137568 control chromosomes, predominantly at a frequency of 0.0084 within the African or African-American subpopulation in the gnomAD database (v3 genomes dataset), including 1 homozygote. The observed variant frequency within African or African-American control individuals in the gnomAD database is approximately 20 fold of the estimated maximal expected allele frequency for a pathogenic variant in KIF7 causing Acrocallosal Syndrome/Joubert Syndrome 12 phenotype (0.0004), strongly suggesting that the variant is a benign polymorphism found primarily in populations of African or African-American origin. c.1220C>A has been reported in the literature in one individual affected with cerebellar ataxia (Sun_2019). This report did not provide unequivocal conclusions about association of the variant with Acrocallosal Syndrome/Joubert Syndrome 12. To our knowledge, no experimental evidence demonstrating an impact on protein function has been reported. Two ClinVar submitters (evaluation after 2014) cite the variant as uncertain significance (1x) and likely benign (1x). Based on the evidence outlined above, the variant was classified as likely benign.

Eurofins Ntd Llc (ga)
Classification: Uncertain significance. Last evaluated: 2017-03-09. Review status: criteria provided, single submitter. Criteria: EGL Classification Definitions 2015. Collection method: clinical testing. Allele origin: germline. Observed: 3 variant alleles, 3 heterozygotes.

Genetic Services Laboratory, University of Chicago
Classification: Uncertain significance. Last evaluated: 2013-09-16. Review status: criteria provided, single submitter. Criteria: ACMG Guidelines, 2007. Collection method: clinical testing. Allele origin: germline. Inheritance: Autosomal recessive inheritance.

Literature cited by the submitters: PubMed 29915382 (cited by Women's Health and Genetics/Laboratory Corporation of America, LabCorp).